The following is an entry in ClinVar:

ClinVar aggregate classification (germline): Uncertain significance (1 of 4 stars; one submission).

Conditions:
LAMA2-related muscular dystrophy (LAMA2-RD). Also called: Laminin alpha 2-related dystrophy. Identifiers: MedGen C5679788, MONDO:0100228.

Submission:

Labcorp Genetics (formerly Invitae), Labcorp
Classification: Uncertain significance for LAMA2-related muscular dystrophy. Last evaluated: 2021-05-18. Review status: criteria provided, single submitter. Criteria: Invitae Variant Classification Sherloc (09022015). Collection method: clinical testing. Allele origin: germline.
Comment: This sequence change replaces asparagine with lysine at codon 1700 of the LAMA2 protein (p.Asn1700Lys). The asparagine residue is moderately conserved and there is a moderate physicochemical difference between asparagine and lysine. This variant is not present in population databases (ExAC no frequency). This variant has not been reported in the literature in individuals with LAMA2-related conditions. Advanced modeling of protein sequence and biophysical properties (such as structural, functional, and spatial information, amino acid conservation, physicochemical variation, residue mobility, and thermodynamic stability) performed at Invitae indicates that this missense variant is not expected to disrupt LAMA2 protein function. In summary, the available evidence is currently insufficient to determine the role of this variant in disease. Therefore, it has been classified as a Variant of Uncertain Significance.

NM_000426.4(LAMA2):c.5100T>A (p.Asn1700Lys)

Gene: LAMA2 (laminin subunit alpha 2; plus strand). Cytogenetic location: 6q22.33.
Variant type: single nucleotide variant.
Coding change: c.5100T>A on transcript NM_000426.4 (MANE Select); coding-DNA position 5100, T replaced by A.
Protein change: p.Asn1700Lys; replaces asparagine 1700 with lysine.
Molecular consequence: missense variant.
Genome position (GRCh38, 1-based): chr6:129,391,519, T>A. VCF-style: chr6-129391519-T-A. GRCh37 (hg19) VCF-style: chr6-129712664-T-A.
Other names: c.5100T>A, p.Asn1700Lys (NM_001079823.2); short protein forms N1700K.
Identifiers: ClinVar variation 1462623 (VCV001462623.8), dbSNP rs2114671784, ClinGen allele CA365613954.